The following is an entry in ClinVar:

ClinVar aggregate classification (germline): Conflicting classifications of pathogenicity. Review status: criteria provided, conflicting classifications (1 of 4 stars). 2 submissions from 2 submitters: Likely pathogenic (1); Uncertain significance (1). Last evaluated 2024-03-23.

Conditions:
Very long chain acyl-CoA dehydrogenase deficiency (ACADVLD). Also called: VLCAD Deficiency; Very Long-Chain Acyl-Coenzyme A Dehydrogenase Deficiency. Identifiers: Orphanet 26793, MedGen C3887523, MONDO:0008723, OMIM 201475.

Allele frequency attached by ClinVar (database versions not stated): gnomAD exomes 0.00001.
gnomAD v4.1: 3 of 1,614,008 alleles (0.00019%); highest among the groups gnomAD compares: East Asian, 0.0022%; no homozygotes.

Submissions (2):

Fulgent Genetics
Classification: Likely pathogenic for Very long chain acyl-CoA dehydrogenase deficiency. Last evaluated: 2024-03-23. Review status: criteria provided, single submitter. Criteria: ACMG Guidelines, 2015. Collection method: clinical testing. Allele origin: germline.

Women's Health and Genetics/Laboratory Corporation of America, LabCorp
Classification: Uncertain significance. Last evaluated: 2024-03-11. Review status: criteria provided, single submitter. Criteria: LabCorp Variant Classification Summary - May 2015. Collection method: clinical testing. Allele origin: germline.
Comment: Variant summary: ACADVL c.1106T>G (p.Phe369Cys) results in a non-conservative amino acid change located in the Acyl-CoA dehydrogenase/oxidase, C-terminal (IPR009075) of the encoded protein sequence. Five of five in-silico tools predict a damaging effect of the variant on protein function. The variant was absent in 251486 control chromosomes. c.1106T>G has been reported in the literature in at-least one individual affected with Very Long Chain Acyl-CoA Dehydrogenase Deficiency (example, Stepien_2015). These data indicate that the variant may be associated with disease. To our knowledge, no experimental evidence demonstrating an impact on protein function has been reported. No submitters have cited clinical-significance assessments for this variant to ClinVar. The following publication has been ascertained in the context of this evaluation (PMID: 26982752). Based on the evidence outlined above, the variant was classified as VUS-possibly pathogenic.

Literature cited by the submitters: PubMed 32558070 (cited by Women's Health and Genetics/Laboratory Corporation of America, LabCorp); PubMed 26982752 (cited by Women's Health and Genetics/Laboratory Corporation of America, LabCorp).

NM_000018.4(ACADVL):c.1106T>G (p.Phe369Cys)

Gene: ACADVL (acyl-CoA dehydrogenase very long chain; plus strand). Cytogenetic location: 17p13.1.
Variant type: single nucleotide variant.
Coding change: c.1106T>G on transcript NM_000018.4 (MANE Select); coding-DNA position 1106, T replaced by G.
Protein change: p.Phe369Cys; replaces phenylalanine 369 with cysteine.
Molecular consequence: missense variant.
Genome position (GRCh38, 1-based): chr17:7,223,161, T>G. VCF-style: chr17-7223161-T-G. GRCh37 (hg19) VCF-style: chr17-7126480-T-G.
Other names: c.1040T>G, p.Phe347Cys (NM_001033859.3); c.1175T>G, p.Phe392Cys (NM_001270447.2); c.878T>G, p.Phe293Cys (NM_001270448.2); short protein forms F293C, F347C, F369C, F392C.
Identifiers: ClinVar variation 3233512 (VCV003233512.3), dbSNP rs398123080, ClinGen allele CA397724366.